The following is an entry in ClinVar:

ClinVar aggregate classification (germline): Uncertain significance (1 of 4 stars; one submission).

Conditions:
Early-infantile DEE. Also called: Early infantile epileptic encephalopathy; Early infantile epileptic encephalopathy with suppression bursts; Ohtahara syndrome. Identifiers: Orphanet 1934, MedGen C0393706, MONDO:0800491.

Allele frequency attached by ClinVar (database versions not stated): gnomAD exomes 0.00001; ExAC 0.00001.
gnomAD v4.1: 4 of 1,612,970 alleles (0.00025%); highest among the groups gnomAD compares: Middle Eastern, 0.017%; no homozygotes.

Submission:

Labcorp Genetics (formerly Invitae), Labcorp
Classification: Uncertain significance for Early-infantile DEE. Last evaluated: 2025-09-23. Review status: criteria provided, single submitter. Criteria: Invitae Variant Classification Sherloc (09022015). Collection method: clinical testing. Allele origin: germline.
Comment: This sequence change replaces arginine, which is basic and polar, with serine, which is neutral and polar, at codon 1540 of the SCN1A protein (p.Arg1540Ser). This variant is present in population databases (rs750623506, gnomAD 0.007%). This variant has not been reported in the literature in individuals affected with SCN1A-related conditions. ClinVar contains an entry for this variant (Variation ID: 2812971). Invitae Evidence Modeling of protein sequence and biophysical properties (such as structural, functional, and spatial information, amino acid conservation, physicochemical variation, residue mobility, and thermodynamic stability) indicates that this missense variant is not expected to disrupt SCN1A protein function with a negative predictive value of 95%. In summary, the available evidence is currently insufficient to determine the role of this variant in disease. Therefore, it has been classified as a Variant of Uncertain Significance.

NM_001165963.4(SCN1A):c.4620A>T (p.Arg1540Ser)

Genes: SCN1A (sodium voltage-gated channel alpha subunit 1; minus strand), LOC102724058 (uncharacterized LOC102724058; plus strand). Cytogenetic location: 2q24.3.
Variant type: single nucleotide variant.
Coding change: c.4620A>T on transcript NM_001165963.4 (MANE Select); coding-DNA position 4620, A replaced by T.
Protein change: p.Arg1540Ser; replaces arginine 1540 with serine.
Molecular consequence: missense variant. On other transcripts: non-coding transcript variant (1).
Genome position (GRCh38, 1-based): chr2:165,994,378, T>A on the plus strand (A>T on the coding strand, the complement: SCN1A is on the minus strand). VCF-style: chr2-165994378-T-A. GRCh37 (hg19) VCF-style: chr2-166850888-T-A.
Other names: c.4587A>T, p.Arg1529Ser (NM_001353950.2, NM_006920.6, NM_001353949.2 and 2 more transcripts); c.4536A>T, p.Arg1512Ser (NM_001165964.3, NM_001353957.2, NM_001353958.2); c.4620A>T, p.Arg1540Ser (NM_001202435.3, NM_001353948.2); c.4584A>T, p.Arg1528Ser (NM_001353954.2, NM_001353955.2); c.4533A>T, p.Arg1511Ser (NM_001353960.2); c.2178A>T, p.Arg726Ser (NM_001353961.2); short protein forms R1512S, R1511S, R1528S, R1540S, R1529S, R726S.
Identifiers: ClinVar variation 2812971 (VCV002812971.3), dbSNP rs750623506, ClinGen allele CA1942756.
Genomic context (GRCh38, chr2:165,994,378, plus strand): 5'-CACCATCATTGTGACCATGTTAAGACAGATGAGAATCATGATGCTTATGTCAAAAACTTG[T>A]CTGGTTACGAAGTCAAAGACCATTCCTTGAAATTTGTTCTGTAGAGAAATAGAAATGCTT-3'
Protein context (NP_001159435.1, residues 1530-1550): FQGMVFDFVT[Arg1540Ser]QVFDISIMIL